The following is an entry in ClinVar:

NM_000384.3(APOB):c.11891A>G (p.Tyr3964Cys)

Gene: APOB (apolipoprotein B; minus strand). Cytogenetic location: 2p24.1.
Variant type: single nucleotide variant.
Coding change: c.11891A>G on transcript NM_000384.3 (MANE Select); coding-DNA position 11891, A replaced by G.
Protein change: p.Tyr3964Cys; replaces tyrosine 3964 with cysteine.
Molecular consequence: missense variant.
Genome position (GRCh38, 1-based): chr2:21,004,573, T>C on the plus strand (A>G on the coding strand, the complement: APOB is on the minus strand). VCF-style: chr2-21004573-T-C. GRCh37 (hg19) VCF-style: chr2-21227445-T-C.
Other names: short protein forms Y3964C.
Identifiers: ClinVar variation 4686765 (VCV004686765.2), dbSNP rs1126468.
Genomic context (GRCh38, chr2:21,004,573, plus strand): 5'-ATGAGTTTTCAAAAGGTATAAGGTTTCAATTCAATAAAAGCTCCATACTGAAGTCCTTCA[T>C]ATTTGCCATCTTCTTCATATTCTGCACTGAAGTCACGGTGTGCAAATGTTCCTTTAGTCT-3'
Protein context (NP_000375.3, residues 3954-3974): FSAEYEEDGK[Tyr3964Cys]EGLQEWEGKA

ClinVar aggregate classification (germline): Uncertain significance. Review status: criteria provided, multiple submitters, no conflicts (2 of 4 stars). 2 submissions from 2 submitters: Uncertain significance (2). Last evaluated 2026-02-13.

Conditions:
Cardiovascular phenotype. Identifiers: MedGen CN230736.

Allele frequency attached by ClinVar (database versions not stated): gnomAD 0.00001; TOPMed 0.00002 and 0.00004.

Submissions (2):

Ambry Genetics
Classification: Uncertain significance for Cardiovascular phenotype. Last evaluated: 2026-02-13. Review status: criteria provided, single submitter. Criteria: Ambry Variant Classification Scheme 2023. Collection method: clinical testing. Allele origin: germline.
Comment: The p.Y3964C variant (also known as c.11891A>G), located in coding exon 27 of the APOB gene, results from an A to G substitution at nucleotide position 11891. The tyrosine at codon 3964 is replaced by cysteine, an amino acid with highly dissimilar properties. This amino acid position is conserved. In addition, this alteration is predicted to be tolerated by in silico analysis. Based on the available evidence, the clinical significance of this variant remains unclear.

GeneDx
Classification: Uncertain significance. Last evaluated: 2025-07-23. Review status: criteria provided, single submitter. Criteria: GeneDx Variant Classification Process June 2021. Collection method: clinical testing. Allele origin: germline. Affected: yes.
Comment: Not observed at significant frequency in large population cohorts (gnomAD); In silico analysis supports that this missense variant has a deleterious effect on protein structure/function; Has not been previously published as pathogenic or benign to our knowledge